The following is an entry in ClinVar:

ClinVar aggregate classification (germline): Uncertain significance (1 of 4 stars; one submission).

Conditions:
Catecholaminergic polymorphic ventricular tachycardia 1. Also called: VENTRICULAR TACHYCARDIA, STRESS-INDUCED POLYMORPHIC 1; VENTRICULAR TACHYCARDIA, CATECHOLAMINERGIC POLYMORPHIC, 1, WITH OR WITHOUT ATRIAL DYSFUNCTION AND/OR DILATED CARDIOMYOPATHY; RYR2-Related Catecholaminergic Polymorphic Ventricular Tachycardia. Identifiers: Orphanet 3286, MedGen C1631597, MONDO:0011484, OMIM 604772.

Submission:

Labcorp Genetics (formerly Invitae), Labcorp
Classification: Uncertain significance for Catecholaminergic polymorphic ventricular tachycardia 1. Last evaluated: 2022-05-01. Review status: criteria provided, single submitter. Criteria: Invitae Variant Classification Sherloc (09022015). Collection method: clinical testing. Allele origin: germline.
Comment: In summary, the available evidence is currently insufficient to determine the role of this variant in disease. Therefore, it has been classified as a Variant of Uncertain Significance. Algorithms developed to predict the effect of missense changes on protein structure and function output the following: SIFT: "Tolerated"; PolyPhen-2: "Benign"; Align-GVGD: "Class C0". The leucine amino acid residue is found in multiple mammalian species, which suggests that this missense change does not adversely affect protein function. This variant has not been reported in the literature in individuals affected with TRDN-related conditions. This variant is not present in population databases (gnomAD no frequency). This sequence change replaces proline, which is neutral and non-polar, with leucine, which is neutral and non-polar, at codon 307 of the TRDN protein (p.Pro307Leu).

NM_006073.4(TRDN):c.920C>T (p.Pro307Leu)

Genes: TRDN (triadin; minus strand), TRDN-AS1 (TRDN antisense RNA 1; plus strand). Cytogenetic location: 6q22.31.
Variant type: single nucleotide variant.
Coding change: c.920C>T on transcript NM_006073.4 (MANE Select); coding-DNA position 920, C replaced by T.
Protein change: p.Pro307Leu; replaces proline 307 with leucine.
Molecular consequence: missense variant.
Genome position (GRCh38, 1-based): chr6:123,464,917, G>A on the plus strand (C>T on the coding strand, the complement: TRDN is on the minus strand). VCF-style: chr6-123464917-G-A. GRCh37 (hg19) VCF-style: chr6-123786062-G-A.
Other names: c.920C>T, p.Pro307Leu (NM_001251987.2); c.860C>T, p.Pro287Leu (NM_001256020.2, NM_001407315.1); short protein forms P307L, P287L.
Identifiers: ClinVar variation 1948058 (VCV001948058.5), dbSNP rs2534151583, ClinGen allele CA365566875.
Genomic context (GRCh38, chr6:123,464,917, plus strand): 5'-TTCTATTTTATCTACAATAGAGATCTTTAAGAAAAAAAAAAGTACTTGCCTTCAAGGGCA[G>A]GTGATGCCGGAGTGGGTCTGGAAGCTTGTTCTGTCGGTAAGGGAGGTGGAATGGCTGGGC-3'
Protein context (NP_006064.2, residues 297-317): EQASRPTPAS[Pro307Leu]ALEEKEGEKK